The following is an entry in ClinVar:

ClinVar aggregate classification (germline): Conflicting classifications of pathogenicity. Review status: criteria provided, conflicting classifications (1 of 4 stars). 3 submissions from 3 submitters: Uncertain significance (1); Likely benign (2). Last evaluated 2025-10-16.

Conditions:
Menkes kinky-hair syndrome (MNK). Also called: Copper transport disease; Classic Menkes Disease; Menkes Disease. Identifiers: Orphanet 565, MedGen C0022716, MONDO:0010651, OMIM 309400.
Cutis laxa, X-linked (OHS). Also called: EDS IX; Occipital horn syndrome. Identifiers: Orphanet 198, MedGen C0268353, MONDO:0010572, OMIM 304150.
X-linked distal spinal muscular atrophy type 3. Also called: SPINAL MUSCULAR ATROPHY, DISTAL, X-LINKED RECESSIVE; ATP7A-Related Distal Motor Neuropathy; NEURONOPATHY, DISTAL HEREDITARY MOTOR, X-LINKED; NEUROPATHY, DISTAL HEREDITARY MOTOR, X-LINKED. Identifiers: Orphanet 139557, MedGen C1845359, MONDO:0010338, OMIM 300489.

Allele frequency attached by ClinVar (database versions not stated): gnomAD exomes 0.00001; gnomAD 0.00007 and 0.00009; ESP Exome Variant Server 0.00009; TOPMed 0.00014.
gnomAD v4.1: 24 of 1,209,812 alleles (0.002%); highest among the groups gnomAD compares: African/African-American, 0.038%; no homozygotes.

Submissions (3):

Labcorp Genetics (formerly Invitae), Labcorp
Classification: Likely benign for X-linked distal spinal muscular atrophy type 3; Cutis laxa, X-linked; Menkes kinky-hair syndrome. Last evaluated: 2025-10-16. Review status: criteria provided, single submitter. Criteria: Invitae Variant Classification Sherloc (09022015). Collection method: clinical testing. Allele origin: germline.

GeneDx
Classification: Likely benign. Last evaluated: 2020-12-11. Review status: criteria provided, single submitter. Criteria: GeneDx Variant Classification Process June 2021. Collection method: clinical testing. Allele origin: germline. Affected: yes.

Laboratorio de Genetica e Diagnostico Molecular, Hospital Israelita Albert Einstein
Classification: Uncertain significance. Last evaluated: 2020-12-07. Review status: criteria provided, single submitter. Criteria: ACMG Guidelines, 2015. Collection method: clinical testing. Allele origin: germline. Affected: yes.
Comment: ACMG classification criteria: BP4

NM_000052.7(ATP7A):c.3623G>T (p.Arg1208Ile)

Gene: ATP7A (ATPase copper transporting alpha; plus strand). Cytogenetic location: Xq21.1.
Variant type: single nucleotide variant.
Coding change: c.3623G>T on transcript NM_000052.7 (MANE Select); coding-DNA position 3623, G replaced by T.
Protein change: p.Arg1208Ile; replaces arginine 1208 with isoleucine.
Molecular consequence: missense variant. On other transcripts: non-coding transcript variant (1).
Genome position (GRCh38, 1-based): chrX:78,038,947, G>T. VCF-style: chrX-78038947-G-T. GRCh37 (hg19) VCF-style: chrX-77294445-G-T.
Other names: c.3389G>T, p.Arg1130Ile (NM_001282224.2); short protein forms R1130I, R1208I.
Identifiers: ClinVar variation 847004 (VCV000847004.14), dbSNP rs146392305, ClinGen allele CA10459446.